The following is an entry in ClinVar:

NM_001330260.2(SCN8A):c.3842C>A (p.Ala1281Asp)

Gene: SCN8A (sodium voltage-gated channel alpha subunit 8; plus strand). Cytogenetic location: 12q13.13.
Variant type: single nucleotide variant.
Coding change: c.3842C>A on transcript NM_001330260.2 (MANE Select); coding-DNA position 3842, C replaced by A.
Protein change: p.Ala1281Asp; replaces alanine 1281 with aspartic acid.
Molecular consequence: missense variant. On other transcripts: intron variant (2).
Genome position (GRCh38, 1-based): chr12:51,780,671, C>A. VCF-style: chr12-51780671-C-A. GRCh37 (hg19) VCF-style: chr12-52174455-C-A.
Other names: c.3842C>A, p.Ala1281Asp (NM_014191.4); c.3820-5871C>A (NM_001177984.3, NM_001369788.1); short protein forms A1281D.
Identifiers: ClinVar variation 3373613 (VCV003373613.1).

ClinVar aggregate classification (germline): Uncertain significance (1 of 4 stars; one submission).

Submission:

GeneDx
Classification: Uncertain significance. Last evaluated: 2024-03-05. Review status: criteria provided, single submitter. Criteria: GeneDx Variant Classification Process June 2021. Collection method: clinical testing. Allele origin: germline. Affected: yes.
Comment: Not observed at significant frequency in large population cohorts (gnomAD); In silico analysis supports that this missense variant has a deleterious effect on protein structure/function; This substitution is predicted to be within the transmembrane segment S3 of the third homologous domain; Has not been previously published as pathogenic or benign to our knowledge